The following is an entry in ClinVar:

ClinVar aggregate classification (germline): Uncertain significance (1 of 4 stars; one submission).

Conditions:
Inborn genetic diseases. Identifiers: MedGen C0950123, MeSH D030342.

Submission:

Ambry Genetics
Classification: Uncertain significance for Inborn genetic diseases. Last evaluated: 2025-07-28. Review status: criteria provided, single submitter. Criteria: Ambry Variant Classification Scheme 2023. Collection method: clinical testing. Allele origin: germline.
Comment: The p.G220R variant (also known as c.658G>A), located in coding exon 4 of the ERCC6L2 gene, results from a G to A substitution at nucleotide position 658. The glycine at codon 220 is replaced by arginine, an amino acid with dissimilar properties. This amino acid position is conserved. In addition, this alteration is predicted to be deleterious by in silico analysis. Based on the available evidence, the clinical significance of this variant remains unclear.

NM_020207.7(ERCC6L2):c.658G>A (p.Gly220Arg)

Gene: ERCC6L2 (ERCC excision repair 6 like 2; plus strand). Cytogenetic location: 9q22.32.
Variant type: single nucleotide variant.
Coding change: c.658G>A on transcript NM_020207.7 (MANE Select); coding-DNA position 658, G replaced by A.
Protein change: p.Gly220Arg; replaces glycine 220 with arginine.
Molecular consequence: missense variant. On other transcripts: non-coding transcript variant (1).
Genome position (GRCh38, 1-based): chr9:95,907,141, G>A. VCF-style: chr9-95907141-G-A. GRCh37 (hg19) VCF-style: chr9-98669423-G-A.
Other names: c.658G>A, p.Gly220Arg (NM_001010895.4, NM_001375291.1, NM_001375292.1 and 2 more transcripts); short protein forms G220R.
Identifiers: ClinVar variation 4250598 (VCV004250598.1).